The following is an entry in ClinVar:

NM_017752.3(TBC1D8B):c.2670G>A (p.Met890Ile)

Gene: TBC1D8B (TBC1 domain family member 8B; plus strand). Cytogenetic location: Xq22.3.
Variant type: single nucleotide variant.
Coding change: c.2670G>A on transcript NM_017752.3 (MANE Select); coding-DNA position 2670, G replaced by A.
Protein change: p.Met890Ile; replaces methionine 890 with isoleucine.
Molecular consequence: missense variant.
Genome position (GRCh38, 1-based): chrX:106,866,804, G>A. VCF-style: chrX-106866804-G-A. GRCh37 (hg19) VCF-style: chrX-106110034-G-A.
Other names: short protein forms M890I.
Identifiers: ClinVar variation 2357675 (VCV002357675.4), dbSNP rs142730643, ClinGen allele CA10483404.
Genomic context (GRCh38, chrX:106,866,804, plus strand): 5'-GATTGAATGTTCTTTAGATACATGATTATTTACAATTGAATTTTATTGAACAGACATAAT[G>A]TACAATGGAAGTTTTACTGAGAAGCTTAAGCTGCTTTTTAAGCTACATATTCCTCCAGGT-3'
Protein context (NP_060222.2, residues 880-900): FKEFSSAIDI[Met890Ile]YNGSFTEKLK

ClinVar aggregate classification (germline): Uncertain significance. Review status: criteria provided, multiple submitters, no conflicts (2 of 4 stars). 2 submissions from 2 submitters: Uncertain significance (2). Last evaluated 2025-12-02.

Allele frequency attached by ClinVar (database versions not stated): gnomAD 0.00017; 1000 Genomes Project 0.00026; TOPMed 0.00044; ESP Exome Variant Server 0.00009; gnomAD exomes 0.00004; ExAC 0.00018; 1000 Genomes Project 30x 0.00042.
gnomAD v4.1: 76 of 1,168,998 alleles (0.0065%); highest among the groups gnomAD compares: Admixed American, 0.1%; no homozygotes.

Submissions (2):

Labcorp Genetics (formerly Invitae), Labcorp
Classification: Uncertain significance. Last evaluated: 2025-12-02. Review status: criteria provided, single submitter. Criteria: Invitae Variant Classification Sherloc (09022015). Collection method: clinical testing. Allele origin: germline.
Comment: This sequence change replaces methionine, which is neutral and non-polar, with isoleucine, which is neutral and non-polar, at codon 890 of the TBC1D8B protein (p.Met890Ile). This variant is present in population databases (rs142730643, gnomAD 0.07%), and has an allele count higher than expected for a pathogenic variant. This variant has not been reported in the literature in individuals affected with TBC1D8B-related conditions. ClinVar contains an entry for this variant (Variation ID: 2357675). An algorithm developed to predict the effect of missense changes on protein structure and function (PolyPhen-2) suggests that this variant is likely to be tolerated. In summary, the available evidence is currently insufficient to determine the role of this variant in disease. Therefore, it has been classified as a Variant of Uncertain Significance.

Ambry Genetics
Classification: Uncertain significance. Last evaluated: 2021-06-11. Review status: criteria provided, single submitter. Criteria: Ambry Variant Classification Scheme 2023. Collection method: clinical testing. Allele origin: germline.